The following is an entry in ClinVar:

ClinVar aggregate classification (germline): Benign. Review status: criteria provided, multiple submitters, no conflicts (2 of 4 stars). 5 submissions from 5 submitters: Benign (5). Last evaluated 2026-05-11.

Allele frequency attached by ClinVar (database versions not stated): gnomAD 0.01371 and 0.01456; 1000 Genomes Project 0.01498; TOPMed 0.01540; ESP Exome Variant Server 0.01576; 1000 Genomes Project 30x 0.01718.
gnomAD v4.1: 4,092 of 1,585,818 alleles (0.26%); highest among the groups gnomAD compares: African/African-American, 4.9%; 98 homozygotes.

Submissions (5):

Women's Health and Genetics/Laboratory Corporation of America, LabCorp
Classification: Benign. Last evaluated: 2026-05-11. Review status: criteria provided, single submitter. Criteria: LabCorp Variant Classification Summary - May 2015. Collection method: clinical testing. Allele origin: germline.

Labcorp Genetics (formerly Invitae), Labcorp
Classification: Benign. Last evaluated: 2026-02-02. Review status: criteria provided, single submitter. Criteria: Invitae Variant Classification Sherloc (09022015). Collection method: clinical testing. Allele origin: germline.

ARUP Laboratories, Molecular Genetics and Genomics, ARUP Laboratories
Classification: Benign. Last evaluated: 2025-06-11. Review status: criteria provided, single submitter. Criteria: ARUP Molecular Germline Variant Investigation Process 2024. Collection method: clinical testing. Allele origin: germline.

GeneDx
Classification: Benign. Last evaluated: 2016-10-14. Review status: criteria provided, single submitter. Criteria: GeneDx Variant Classification (06012015). Collection method: clinical testing. Allele origin: germline. Affected: yes.
Comment: This variant is considered likely benign or benign based on one or more of the following criteria: it is a conservative change, it occurs at a poorly conserved position in the protein, it is predicted to be benign by multiple in silico algorithms, and/or has population frequency not consistent with disease.

PreventionGenetics, part of Exact Sciences
Classification: Benign. Review status: criteria provided, single submitter. Criteria: ACMG Guidelines, 2015. Collection method: clinical testing. Allele origin: germline.

NM_001854.4(COL11A1):c.3924+19C>T

Gene: COL11A1 (collagen type XI alpha 1 chain; minus strand). Cytogenetic location: 1p21.1.
Variant type: single nucleotide variant.
Coding change: c.3924+19C>T on transcript NM_001854.4 (MANE Select); 19 bases into the intron after coding-DNA position 3924, C replaced by T.
Molecular consequence: intron variant.
Genome position (GRCh38, 1-based): chr1:102,914,685, G>A on the plus strand (C>T on the coding strand, the complement: COL11A1 is on the minus strand). VCF-style: chr1-102914685-G-A. GRCh37 (hg19) VCF-style: chr1-103380241-G-A.
Other names: c.3807+19C>T (NM_001190709.2); c.3960+19C>T (NM_080629.3); c.3576+19C>T (NM_080630.4).
Identifiers: ClinVar variation 258460 (VCV000258460.12), dbSNP rs77901108, ClinGen allele CA973778.
Genomic context (GRCh38, chr1:102,914,685, plus strand): 5'-GGATTTCAAATCTTTCTAAGAAAAGCTCCAAGGTGAGTTTGGCATAAATGCCACATTAGA[G>A]GGGACCAAACTCACTTACCGGGTTACCCTTAGGGCCATCATCACCTGGTGGCCCCTTGGC-3'